The following is an entry in ClinVar:

ClinVar aggregate classification (germline): Uncertain significance. Review status: criteria provided, multiple submitters, no conflicts (2 of 4 stars). 2 submissions from 2 submitters: Uncertain significance (2). Last evaluated 2025-02-19.

Conditions:
Inborn genetic diseases. Identifiers: MedGen C0950123, MeSH D030342.

Allele frequency attached by ClinVar (database versions not stated): ExAC 0.00002; gnomAD exomes 0.00002 and 0.00004; TOPMed 0.00003; gnomAD 0.00005 and 0.00006.
gnomAD v4.1: 61 of 1,614,102 alleles (0.0038%); highest among the groups gnomAD compares: Non-Finnish European, 0.0047%; no homozygotes.

Submissions (2):

Ambry Genetics
Classification: Uncertain significance for Inborn genetic diseases. Last evaluated: 2025-02-19. Review status: criteria provided, single submitter. Criteria: Ambry Variant Classification Scheme 2023. Collection method: clinical testing. Allele origin: germline.

Labcorp Genetics (formerly Invitae), Labcorp
Classification: Uncertain significance. Last evaluated: 2024-06-25. Review status: criteria provided, single submitter. Criteria: Invitae Variant Classification Sherloc (09022015). Collection method: clinical testing. Allele origin: germline.
Comment: This sequence change replaces isoleucine, which is neutral and non-polar, with threonine, which is neutral and polar, at codon 63 of the ARFGEF2 protein (p.Ile63Thr). This variant is present in population databases (rs201168593, gnomAD 0.005%). This variant has not been reported in the literature in individuals affected with ARFGEF2-related conditions. ClinVar contains an entry for this variant (Variation ID: 1356628). An algorithm developed to predict the effect of missense changes on protein structure and function (PolyPhen-2) suggests that this variant is likely to be tolerated. In summary, the available evidence is currently insufficient to determine the role of this variant in disease. Therefore, it has been classified as a Variant of Uncertain Significance.

NM_006420.3(ARFGEF2):c.188T>C (p.Ile63Thr)

Gene: ARFGEF2 (ARF guanine nucleotide exchange factor 2; plus strand). Cytogenetic location: 20q13.13.
Variant type: single nucleotide variant.
Coding change: c.188T>C on transcript NM_006420.3 (MANE Select); coding-DNA position 188, T replaced by C.
Protein change: p.Ile63Thr; replaces isoleucine 63 with threonine.
Molecular consequence: missense variant.
Genome position (GRCh38, 1-based): chr20:48,941,899, T>C. VCF-style: chr20-48941899-T-C. GRCh37 (hg19) VCF-style: chr20-47558436-T-C.
Other names: c.188T>C (NM_006420.2); short protein forms I63T.
Identifiers: ClinVar variation 1356628 (VCV001356628.6), dbSNP rs201168593, ClinGen allele CA9898088.